The following is an entry in ClinVar:

ClinVar aggregate classification (germline): Likely pathogenic (1 of 4 stars; one submission).

Conditions:
Wilson disease (WND). Also called: Wilson's disease. Identifiers: Orphanet 905, MedGen C0019202, MONDO:0010200, OMIM 277900. Disease mechanism: loss of function.

Submission:

Myriad Genetics, Inc.
Classification: Likely pathogenic for Wilson disease. Last evaluated: 2022-03-03. Review status: criteria provided, single submitter. Criteria: Myriad Women's Health Autosomal Recessive and X-Linked Classification Criteria (2021). Collection method: clinical testing. Allele origin: unknown.
Comment: NM_000053.3(ATP7B):c.218_219delTG(V73Efs*4) is expected to be pathogenic in the context of Wilson disease. This variant is predicted to lead to an abnormal or absent protein product due to the creation of a premature termination codon in ATP7B, a gene where loss-of-function variants are known to be pathogenic. Please note: this variant was assessed in the context of healthy population screening.

NM_000053.4(ATP7B):c.218_219del (p.Val73fs)

Gene: ATP7B (ATPase copper transporting beta; minus strand). Cytogenetic location: 13q14.3.
Variant type: Microsatellite.
Coding change: c.218_219del on transcript NM_000053.4 (MANE Select); coding-DNA positions 218 to 219, 2 bases deleted (TG; older notation c.218_219delTG).
Protein change: p.Val73fs; shifts the reading frame from valine 73.
Molecular consequence: frameshift variant.
Genome position (GRCh38, 1-based): chr13:51,975,001-51,975,002, CA deleted on the plus strand (TG on the coding strand, the reverse complement: ATP7B is on the minus strand); deleting any 2 consecutive bases within chr13:51,975,001-51,975,006 gives the same sequence; the c. name uses the placement nearest the transcript's 3' end. VCF-style (leftmost placement, unchanged base first): chr13-51975000-TCA-T. GRCh37 (hg19) VCF-style: chr13-52549136-TCA-T.
Other names: c.218_219del, p.Val73fs (NM_001005918.3, NM_001243182.2, NM_001330578.2 and 1 more transcripts); c.214_215TG[2], p.Val73Glufs (NM_001406511.1, NM_001406512.1, NM_001406513.1 and 26 more transcripts); c.118_119TG[2], p.Val41Glufs (NM_001406517.1, NM_001406518.1, NM_001406530.1 and 4 more transcripts); short protein forms V73fs.
Identifiers: ClinVar variation 1724949 (VCV001724949.2), dbSNP rs2547824925, ClinGen allele CA2580614742.